The following is an entry in ClinVar:

ClinVar aggregate classification (germline): Uncertain significance (1 of 4 stars; one submission).

Conditions:
Hereditary breast ovarian cancer syndrome. Also called: Hereditary breast and ovarian cancer; BRCA1- and BRCA2-Associated Hereditary Breast and Ovarian Cancer; Hereditary breast and ovarian cancer syndrome; Breast and ovarian cancer; Hereditary breast and ovarian cancer syndrome (HBOC); Hereditary breast and/or ovarian cancer syndrome. Identifiers: Orphanet 145, MedGen C0677776, MeSH D061325, MONDO:0003582. Disease mechanism: loss of function.

Submission:

Labcorp Genetics (formerly Invitae), Labcorp
Classification: Uncertain significance for Hereditary breast ovarian cancer syndrome. Last evaluated: 2024-04-16. Review status: criteria provided, single submitter. Criteria: Invitae Variant Classification Sherloc (09022015). Collection method: clinical testing. Allele origin: germline.
Comment: This sequence change replaces alanine, which is neutral and non-polar, with serine, which is neutral and polar, at codon 469 of the BRCA1 protein (p.Ala469Ser). This variant is not present in population databases (gnomAD no frequency). This variant has not been reported in the literature in individuals affected with BRCA1-related conditions. Advanced modeling of protein sequence and biophysical properties (such as structural, functional, and spatial information, amino acid conservation, physicochemical variation, residue mobility, and thermodynamic stability) performed at Invitae indicates that this missense variant is not expected to disrupt BRCA1 protein function with a negative predictive value of 95%. In summary, the available evidence is currently insufficient to determine the role of this variant in disease. Therefore, it has been classified as a Variant of Uncertain Significance.

NM_007294.4(BRCA1):c.1405G>T (p.Ala469Ser)

Gene: BRCA1 (BRCA1 DNA repair associated; minus strand). Cytogenetic location: 17q21.31.
Variant type: single nucleotide variant.
Coding change: c.1405G>T on transcript NM_007294.4 (MANE Select); coding-DNA position 1405, G replaced by T.
Protein change: p.Ala469Ser; replaces alanine 469 with serine.
Molecular consequence: missense variant. On other transcripts: intron variant (137).
Genome position (GRCh38, 1-based): chr17:43,094,126, C>A on the plus strand (G>T on the coding strand, the complement: BRCA1 is on the minus strand). VCF-style: chr17-43094126-C-A. GRCh37 (hg19) VCF-style: chr17-41246143-C-A.
Other names: c.1405G>T, p.Ala469Ser (NM_001407616.1, NM_001407617.1, NM_001407618.1 and 30 more transcripts); c.646+618G>T (NM_001408452.1, NM_001408457.1, NM_001408460.1 and 11 more transcripts); c.523+618G>T (NM_001408497.1, NM_001408496.1, NM_001408498.1 and 3 more transcripts); c.787+618G>T (NM_001407973.1, NM_001407980.1, NM_001407993.1 and 19 more transcripts); c.404-3094G>T (NM_001408511.1); c.520+618G>T (NM_001408505.1, NM_001408503.1, NM_001408504.1); c.460+1720G>T (NM_001408507.1, NM_001408506.1); c.545-3094G>T (NM_001408495.1); and 40 more; short protein forms A342S, A380S, A399S, A442S, A468S, A173S, A381S, A422S.
Identifiers: ClinVar variation 2815548 (VCV002815548.3), dbSNP rs397507187, ClinGen allele CA10599237.